The following is an entry in ClinVar:

NM_002226.5(JAG2):c.2044C>T (p.Pro682Ser)

Gene: JAG2 (jagged canonical Notch ligand 2; minus strand). Cytogenetic location: 14q32.33.
Variant type: single nucleotide variant.
Coding change: c.2044C>T on transcript NM_002226.5 (MANE Select); coding-DNA position 2044, C replaced by T.
Protein change: p.Pro682Ser; replaces proline 682 with serine.
Molecular consequence: missense variant.
Genome position (GRCh38, 1-based): chr14:105,148,416, G>A on the plus strand (C>T on the coding strand, the complement: JAG2 is on the minus strand). VCF-style: chr14-105148416-G-A. GRCh37 (hg19) VCF-style: chr14-105614753-G-A.
Other names: c.2044C>T (NM_002226.4); c.1930C>T, p.Pro644Ser (NM_145159.3); short protein forms P682S, P644S.
Identifiers: ClinVar variation 1300194 (VCV001300194.3), dbSNP rs200708284, ClinGen allele CA7385747.

ClinVar aggregate classification (germline): Conflicting classifications of pathogenicity. Review status: criteria provided, conflicting classifications (1 of 4 stars). 4 submissions from 4 submitters: Likely pathogenic (1); Uncertain significance (2). 1 of the submissions does not count toward it. Last evaluated 2025-08-22.

Conditions:
Muscular dystrophy, limb-girdle, autosomal recessive 27. Identifiers: MedGen C5562002, MONDO:0030456, OMIM 619566.

Allele frequency attached by ClinVar (database versions not stated): TOPMed 0.00017; gnomAD 0.00019; gnomAD exomes 0.00024; ExAC 0.00027; 1000 Genomes Project 0.00040; 1000 Genomes Project 30x 0.00078.
gnomAD v4.1: 278 of 1,611,964 alleles (0.017%); highest among the groups gnomAD compares: Admixed American, 0.073%; no homozygotes.

Submissions (4):

First Genomix Gene Laboratory, Genetic Diagnostics Department
Classification: Likely pathogenic for Muscular dystrophy, limb-girdle, autosomal recessive 27. Last evaluated: 2025-08-22. Review status: criteria provided, single submitter. Criteria: ACMG Guidelines, 2015. Collection method: clinical testing. Allele origin: germline. Inheritance: Autosomal recessive inheritance. Affected: no. Observed: 1 variant allele.

GeneDx
Classification: Uncertain significance. Last evaluated: 2025-04-22. Review status: criteria provided, single submitter. Criteria: GeneDx Variant Classification Process June 2021. Collection method: clinical testing. Allele origin: germline. Affected: yes.
Comment: In silico analysis supports that this missense variant has a deleterious effect on protein structure/function; This variant is associated with the following publications: (PMID: 33861953)

SIB Swiss Institute of Bioinformatics
Classification: Uncertain significance for Muscular dystrophy, limb-girdle, autosomal recessive 27. Last evaluated: 2022-04-20. Review status: criteria provided, single submitter. Criteria: ACMG Guidelines, 2015. Collection method: curation. Allele origin: unknown.
Comment: This variant is interpreted as a variant of uncertain significance for Muscular dystrophy, limb-girdle, autosomal recessive 27. The following ACMG Tag(s) were applied: Absent from controls (or at extremely low frequency if recessive) in Exome Sequencing Project, 1000 Genomes Project, or Exome Aggregation Consortium (PM2); Cosegregation with disease in multiple affected family members in a gene definitively known to cause the disease (PP1); For recessive disorders, detected in trans with a pathogenic variant (PM3 downgraded to supporting); Multiple lines of computational evidence support a deleterious effect on the gene or gene product (PP3).

OMIM
Classification: Pathogenic for MUSCULAR DYSTROPHY, LIMB-GIRDLE, AUTOSOMAL RECESSIVE 27. Last evaluated: 2021-10-19. Review status: no assertion criteria provided. Collection method: literature only. Allele origin: germline. Not counted in ClinVar's aggregate classification.

Literature cited by the submitters: PubMed 33861953 (cited by SIB Swiss Institute of Bioinformatics and OMIM).